The following is an entry in ClinVar:

ClinVar aggregate classification (germline): Conflicting classifications of pathogenicity. Review status: criteria provided, conflicting classifications (1 of 4 stars). 2 submissions from 2 submitters: Pathogenic (1); Uncertain significance (1). Last evaluated 2024-07-05.

Conditions:
Diarrhea 9. Identifiers: MedGen C4748517, MONDO:0032575, OMIM 618168.

Submissions (2):

Aleixo Muise Laboratory, Hospital For Sick Children
Classification: Pathogenic for Diarrhea 9. Last evaluated: 2024-07-05. Review status: criteria provided, single submitter. Criteria: ACMG Guidelines, 2015. Collection method: research. Allele origin: inherited. Affected: yes. Observed: 1 variant allele.
Comment: PVS1;PM2;PM3;PM5;PP3;PP4

GeneDx
Classification: Uncertain significance. Last evaluated: 2020-11-03. Review status: criteria provided, single submitter. Criteria: GeneDx Variant Classification (06012015). Collection method: clinical testing. Allele origin: germline. Affected: yes.
Comment: Frameshift variant predicted to result in protein truncation or nonsense mediated decay in a gene for which loss-of-function is not a known mechanism of disease. Not observed in large population cohorts (Lek et al., 2016). We interpret c.423delT as a variant of uncertain significance.

NM_024494.3(WNT2B):c.423del (p.Phe141fs)

Gene: WNT2B (Wnt family member 2B; plus strand). Cytogenetic location: 1p13.2.
Variant type: Deletion.
Coding change: c.423del on transcript NM_024494.3 (MANE Select); coding-DNA position 423, one base deleted (T; older notation c.423delT).
Protein change: p.Phe141fs; shifts the reading frame from phenylalanine 141.
Molecular consequence: frameshift variant.
Genome position (GRCh38, 1-based): chr1:112,516,159, T deleted; the last of 4 consecutive T bases (chr1:112,516,156-112,516,159); deleting any one gives the same sequence. VCF-style (leftmost placement, unchanged base first): chr1-112516155-CT-C. GRCh37 (hg19) VCF-style: chr1-113058777-CT-C.
Other names: c.147del, p.Phe49fs (NM_001291880.1); c.366del, p.Phe122fs (NM_004185.4); short protein forms F122fs, F141fs, F49fs.
Identifiers: ClinVar variation 984423 (VCV000984423.2), dbSNP rs1652529952, ClinGen allele CA1005857413.